The following is an entry in ClinVar:

NM_000722.4(CACNA2D1):c.2017G>A (p.Glu673Lys)

Gene: CACNA2D1 (calcium voltage-gated channel auxiliary subunit alpha2delta 1; minus strand). Cytogenetic location: 7q21.11.
Variant type: single nucleotide variant.
Coding change: c.2017G>A on transcript NM_000722.4 (MANE Select); coding-DNA position 2017, G replaced by A.
Protein change: p.Glu673Lys; replaces glutamic acid 673 with lysine.
Molecular consequence: missense variant.
Genome position (GRCh38, 1-based): chr7:81,974,491, C>T on the plus strand (G>A on the coding strand, the complement: CACNA2D1 is on the minus strand). VCF-style: chr7-81974491-C-T. GRCh37 (hg19) VCF-style: chr7-81603807-C-T.
Other names: c.2053G>A, p.Glu685Lys (NM_001366867.1); short protein forms E685K, E673K.
Identifiers: ClinVar variation 1784482 (VCV001784482.8), dbSNP rs751430979, ClinGen allele CA4317777.

ClinVar aggregate classification (germline): Uncertain significance. Review status: criteria provided, multiple submitters, no conflicts (2 of 4 stars). 2 submissions from 2 submitters: Uncertain significance (2). Last evaluated 2025-12-10.

Conditions:
Cardiovascular phenotype. Identifiers: MedGen CN230736.
Brugada syndrome. Also called: Sudden unexpected nocturnal death syndrome; Sudden unexplained nocturnal death syndrome; Sudden Unexplained Death Syndrome; Sudden Unexplained Nocturnal Death Syndrome (SUNDS). Identifiers: Orphanet 130, MedGen C1142166, MONDO:0015263.

Allele frequency attached by ClinVar (database versions not stated): TOPMed 0.00001; ExAC 0.00002; gnomAD 0.00002; gnomAD exomes 0.00002.
gnomAD v4.1: 28 of 1,573,268 alleles (0.0018%); highest among the groups gnomAD compares: Non-Finnish European, 0.0023%; no homozygotes.

Submissions (2):

Ambry Genetics
Classification: Uncertain significance for Cardiovascular phenotype. Last evaluated: 2025-12-10. Review status: criteria provided, single submitter. Criteria: Ambry Variant Classification Scheme 2023. Collection method: clinical testing. Allele origin: germline.
Comment: The p.E673K variant (also known as c.2017G>A), located in coding exon 25 of the CACNA2D1 gene, results from a G to A substitution at nucleotide position 2017. The glutamic acid at codon 673 is replaced by lysine, an amino acid with similar properties. This amino acid position is well conserved in available vertebrate species. In addition, this alteration is predicted to be tolerated by in silico analysis. Since supporting evidence is limited at this time, the clinical significance of this alteration remains unclear.

Labcorp Genetics (formerly Invitae), Labcorp
Classification: Uncertain significance for Brugada syndrome. Last evaluated: 2025-06-22. Review status: criteria provided, single submitter. Criteria: Invitae Variant Classification Sherloc (09022015). Collection method: clinical testing. Allele origin: germline.
Comment: This sequence change replaces glutamic acid, which is acidic and polar, with lysine, which is basic and polar, at codon 673 of the CACNA2D1 protein (p.Glu673Lys). This variant is present in population databases (rs751430979, gnomAD 0.003%). This variant has not been reported in the literature in individuals affected with CACNA2D1-related conditions. ClinVar contains an entry for this variant (Variation ID: 1784482). An algorithm developed to predict the effect of missense changes on protein structure and function (PolyPhen-2) suggests that this variant is likely to be tolerated. In summary, the available evidence is currently insufficient to determine the role of this variant in disease. Therefore, it has been classified as a Variant of Uncertain Significance.